The following is an entry in ClinVar:

ClinVar aggregate classification (germline): Uncertain significance. Review status: criteria provided, multiple submitters, no conflicts (2 of 4 stars). 2 submissions from 2 submitters: Uncertain significance (2). Last evaluated 2024-01-04.

Allele frequency attached by ClinVar (database versions not stated): gnomAD exomes below 0.00001 and 0.00001.
gnomAD v4.1: 9 of 1,614,012 alleles (0.00056%); highest among the groups gnomAD compares: Non-Finnish European, 0.00076%; no homozygotes.

Submissions (2):

Ambry Genetics
Classification: Uncertain significance. Last evaluated: 2024-01-04. Review status: criteria provided, single submitter. Criteria: Ambry Variant Classification Scheme 2023. Collection method: clinical testing. Allele origin: germline.

Labcorp Genetics (formerly Invitae), Labcorp
Classification: Uncertain significance. Last evaluated: 2022-03-10. Review status: criteria provided, single submitter. Criteria: Invitae Variant Classification Sherloc (09022015). Collection method: clinical testing. Allele origin: germline.
Comment: In summary, the available evidence is currently insufficient to determine the role of this variant in disease. Therefore, it has been classified as a Variant of Uncertain Significance. Algorithms developed to predict the effect of missense changes on protein structure and function output the following: SIFT: "Tolerated"; PolyPhen-2: "Benign"; Align-GVGD: "Class C0". The alanine amino acid residue is found in multiple mammalian species, which suggests that this missense change does not adversely affect protein function. This variant has not been reported in the literature in individuals affected with HMCN1-related conditions. This variant is present in population databases (no rsID available, gnomAD 0.0009%). This sequence change replaces threonine, which is neutral and polar, with alanine, which is neutral and non-polar, at codon 4705 of the HMCN1 protein (p.Thr4705Ala).

NM_031935.3(HMCN1):c.14113A>G (p.Thr4705Ala)

Gene: HMCN1 (hemicentin 1; plus strand). Cytogenetic location: 1q31.1.
Variant type: single nucleotide variant.
Coding change: c.14113A>G on transcript NM_031935.3 (MANE Select); coding-DNA position 14113, A replaced by G.
Protein change: p.Thr4705Ala; replaces threonine 4705 with alanine.
Molecular consequence: missense variant.
Genome position (GRCh38, 1-based): chr1:186,144,550, A>G. VCF-style: chr1-186144550-A-G. GRCh37 (hg19) VCF-style: chr1-186113682-A-G.
Other names: c.14113A>G (NM_031935.2); short protein forms T4705A.
Identifiers: ClinVar variation 1384733 (VCV001384733.7), dbSNP rs1315645100, ClinGen allele CA343915048.